The following is an entry in ClinVar:

NM_020944.3(GBA2):c.1687+1G>A

Gene: GBA2 (glucosylceramidase beta 2; minus strand). Cytogenetic location: 9p13.3.
Variant type: single nucleotide variant.
Coding change: c.1687+1G>A on transcript NM_020944.3 (MANE Select); the canonical splice donor site of the intron after coding-DNA position 1687, G replaced by A.
Molecular consequence: splice donor variant.
Genome position (GRCh38, 1-based): chr9:35,739,314, C>T on the plus strand (G>A on the coding strand, the complement: GBA2 is on the minus strand). VCF-style: chr9-35739314-C-T. GRCh37 (hg19) VCF-style: chr9-35739311-C-T.
Other names: c.1687+1G>A (NM_001330660.2).
Identifiers: ClinVar variation 3699478 (VCV003699478.2).

ClinVar aggregate classification (germline): Likely pathogenic (1 of 4 stars; one submission).

Conditions:
Spastic paraplegia. Identifiers: MedGen C0037772, HP:0001258.

gnomAD v4.1: 10 of 1,593,168 alleles (0.00063%); highest among the groups gnomAD compares: South Asian, 0.0099%; no homozygotes.

Submission:

Labcorp Genetics (formerly Invitae), Labcorp
Classification: Likely pathogenic for Spastic paraplegia. Last evaluated: 2024-09-16. Review status: criteria provided, single submitter. Criteria: Invitae Variant Classification Sherloc (09022015). Collection method: clinical testing. Allele origin: germline.
Comment: This sequence change affects a donor splice site in intron 10 of the GBA2 gene. It is expected to disrupt RNA splicing. Variants that disrupt the donor or acceptor splice site typically lead to a loss of protein function (PMID: 16199547), and loss-of-function variants in GBA2 are known to be pathogenic (PMID: 23332916, 23332917). This variant is present in population databases (rs765643285, gnomAD 0.006%). This variant has not been reported in the literature in individuals affected with GBA2-related conditions. Algorithms developed to predict the effect of sequence changes on RNA splicing suggest that this variant may disrupt the consensus splice site. In summary, the currently available evidence indicates that the variant is pathogenic, but additional data are needed to prove that conclusively. Therefore, this variant has been classified as Likely Pathogenic.

Literature cited by the submitters: PubMed 16199547; PubMed 23332916; PubMed 23332917.